The following is an entry in ClinVar:

ClinVar aggregate classification (germline): Uncertain significance (1 of 4 stars; one submission).

Conditions:
Alstrom syndrome (ALMS). Identifiers: Orphanet 64, MedGen C0268425, MONDO:0008763, OMIM 203800.

gnomAD v4.1: 1 of 1,614,204 alleles (0.000062%); highest among the groups gnomAD compares: Non-Finnish European, 0.000085%; no homozygotes.

Submission:

Labcorp Genetics (formerly Invitae), Labcorp
Classification: Uncertain significance for Alstrom syndrome. Last evaluated: 2022-10-13. Review status: criteria provided, single submitter. Criteria: Invitae Variant Classification Sherloc (09022015). Collection method: clinical testing. Allele origin: germline.
Comment: This sequence change replaces asparagine with histidine at codon 4082 of the ALMS1 protein (p.Asn4082His). The asparagine residue is highly conserved and there is a small physicochemical difference between asparagine and histidine. This variant is not present in population databases (gnomAD no frequency). This variant has not been reported in the literature in individuals affected with ALMS1-related conditions. ClinVar contains an entry for this variant (Variation ID: 1471216). Experimental studies and prediction algorithms are not available or were not evaluated, and the functional significance of this variant is currently unknown. In summary, the available evidence is currently insufficient to determine the role of this variant in disease. Therefore, it has been classified as a Variant of Uncertain Significance.

NM_001378454.1(ALMS1):c.12241A>C (p.Asn4081His)

Genes: ALMS1 (ALMS1 centrosome and basal body associated protein; plus strand), LOC126806252 (BRD4-independent group 4 enhancer GRCh37_chr2:73828496-73829695; plus strand). Cytogenetic location: 2p13.1.
Variant type: single nucleotide variant.
Coding change: c.12241A>C on transcript NM_001378454.1 (MANE Select); coding-DNA position 12241, A replaced by C.
Protein change: p.Asn4081His; replaces asparagine 4081 with histidine.
Molecular consequence: missense variant.
Genome position (GRCh38, 1-based): chr2:73,602,311, A>C. VCF-style: chr2-73602311-A-C. GRCh37 (hg19) VCF-style: chr2-73829438-A-C.
Other names: c.12244A>C, p.Asn4082His (NM_015120.4); short protein forms N4082H, N4081H.
Identifiers: ClinVar variation 1471216 (VCV001471216.3), dbSNP rs1398267811, ClinGen allele CA347268362.